The following is an entry in ClinVar:

ClinVar aggregate classification (germline): Likely benign. Review status: criteria provided, multiple submitters, no conflicts (2 of 4 stars). 2 submissions from 2 submitters: Likely benign (2). Last evaluated 2025-06-22.

Conditions:
MOGS-congenital disorder of glycosylation. Also called: CDG IIb; MOGS-CDG; GLUCOSIDASE I DEFICIENCY; CDG 2B. Identifiers: Orphanet 79330, MedGen C1853736, MONDO:0011629, OMIM 606056.

Allele frequency attached by ClinVar (database versions not stated): ExAC 0.00001; gnomAD exomes 0.00001; TOPMed 0.00003; gnomAD 0.00005.
gnomAD v4.1: 50 of 1,613,768 alleles (0.0031%); highest among the groups gnomAD compares: Non-Finnish European, 0.004%; no homozygotes.

Submissions (2):

Labcorp Genetics (formerly Invitae), Labcorp
Classification: Likely benign for MOGS-congenital disorder of glycosylation. Last evaluated: 2025-06-22. Review status: criteria provided, single submitter. Criteria: Invitae Variant Classification Sherloc (09022015). Collection method: clinical testing. Allele origin: germline.

CeGaT Center for Human Genetics Tuebingen
Classification: Likely benign. Last evaluated: 2024-12-01. Review status: criteria provided, single submitter. Criteria: CeGaT Center For Human Genetics Tuebingen Variant Classification Criteria Version 2. Collection method: clinical testing. Allele origin: germline. Affected: yes. Observed: 1 variant allele.
Comment: MOGS: BP4, BP7

NM_006302.3(MOGS):c.1509A>C (p.Leu503=)

Gene: MOGS (mannosyl-oligosaccharide glucosidase; minus strand). Cytogenetic location: 2p13.1.
Variant type: single nucleotide variant.
Coding change: c.1509A>C on transcript NM_006302.3 (MANE Select); coding-DNA position 1509, A replaced by C.
Protein change: p.Leu503=; no amino-acid change (leucine 503 retained).
Molecular consequence: synonymous variant.
Genome position (GRCh38, 1-based): chr2:74,462,280, T>G on the plus strand (A>C on the coding strand, the complement: MOGS is on the minus strand). VCF-style: chr2-74462280-T-G. GRCh37 (hg19) VCF-style: chr2-74689407-T-G.
Other names: c.1509A>C, p.Leu503= (LRG_1226t1); c.1191A>C, p.Leu397= (NM_001146158.2).
Identifiers: ClinVar variation 337110 (VCV000337110.22), dbSNP rs759481390, ClinGen allele CA1724775.